The following is an entry in ClinVar:

NM_006876.3(B4GAT1):c.1233_1234del (p.Arg413fs)

Gene: B4GAT1 (beta-1,4-glucuronyltransferase 1; minus strand). Cytogenetic location: 11q13.2.
Variant type: Microsatellite.
Coding change: c.1233_1234del on transcript NM_006876.3 (MANE Select); coding-DNA positions 1233 to 1234, 2 bases deleted (TC; older notation c.1233_1234delTC).
Protein change: p.Arg413fs; shifts the reading frame from arginine 413.
Molecular consequence: frameshift variant.
Genome position (GRCh38, 1-based): chr11:66,346,063-66,346,064, GA deleted on the plus strand (TC on the coding strand, the reverse complement: B4GAT1 is on the minus strand); deleting any 2 consecutive bases within chr11:66,346,063-66,346,067 gives the same sequence; the c. name uses the placement nearest the transcript's 3' end. VCF-style (leftmost placement, unchanged base first): chr11-66346062-GGA-G. GRCh37 (hg19) VCF-style: chr11-66113533-GGA-G.
Other names: short protein forms R413fs.
Identifiers: ClinVar variation 524131 (VCV000524131.2), dbSNP rs1450064290, ClinGen allele CA658797680.

ClinVar aggregate classification (germline): Uncertain significance (1 of 4 stars; one submission).

Submission:

GeneDx
Classification: Uncertain significance. Last evaluated: 2018-04-26. Review status: criteria provided, single submitter. Criteria: GeneDx Variant Classification (06012015). Collection method: clinical testing. Allele origin: germline. Affected: yes.
Comment: A variant of uncertain significance has been identified in the B3GNT1 gene. The c.1233_1234delTC variant has not been published as a pathogenic variant, nor has it been reported as a benign variant to our knowledge. The c.1233_1234delTC variant is not observed in large population cohorts (Lek et al., 2016). The c.1233_1234delTC variant causes a frameshift starting with codon Arginine 413, changes this amino acid to a Threonine residue and creates a premature Stop codon at position 9 of the new reading frame, denoted p.Arg413ThrfsX9. This variant alters the protein as the last 3 amino acids are replaced by 8 incorrect amino acids. However, it is not predicted to cause loss of normal protein function either through protein truncation or nonsense-mediated mRNA decay. Therefore, based on the currently available information, it is unclear whether this variant is a pathogenic variant or a rare benign variant.